The following continues an entry in ClinVar:

NM_206933.4(USH2A):c.12574C>T (p.Arg4192Cys)

Gene: USH2A. ClinVar aggregate classification (germline): Likely pathogenic. Likely pathogenic (1).

Submissions 9 to 28 of 28:

Victorian Clinical Genetics Services, Murdoch Childrens Research Institute
Classification: Likely pathogenic for Usher syndrome type 2A. Last evaluated: 2024-10-09. Review status: criteria provided, single submitter. Criteria: ACMG Guidelines, 2015. Collection method: clinical testing. Allele origin: germline. Inheritance: Autosomal recessive inheritance. Not counted in ClinVar's aggregate classification.
Comment: Based on the classification scheme VCGS_Germline_v1.3.5, this variant is classified as Likely pathogenic. Following criteria are met: 0102 - Loss of function is a known mechanism of disease in this gene and is associated with Usher syndrome, type 2A (MIM#276901) and retinitis pigmentosa (RP; MIM# 6138093). Null variants are associated with Usher syndrome while homozygous missense which lead to partially functional proteins typically causes non-syndromic RP (PMID: 20301515). (I) 0106 - This gene is associated with autosomal recessive disease. (I) 0200 - Variant is predicted to result in a missense amino acid change from arginine to cysteine. (I) 0251 - This variant is heterozygous. (I) 0304 - Variant is present in gnomAD <0.01 for a recessive condition (v4: 149 heterozygotes, 0 homozygotes). (SP) 0309 - An alternative amino acid change at the same position has been observed in gnomAD (v4: 500 heterozygotes, 1 homozygote). (I) 0501 - Missense variant consistently predicted to be damaging by multiple in silico tools or highly conserved with a major amino acid change. (SP) 0604 - Variant is not located in an established domain, motif, hotspot or informative constraint region. (I) 0801 - This variant has strong previous evidence of pathogenicity in unrelated individuals. This variant has been classified as likely pathogenic by an expert panel (ClinVar). (SP) Legend: (SP) - Supporting pathogenic, (I) - Information, (SB) - Supporting benign

Lab De Baere, Eye and Developmental Genetics Lab, Ghent University
Classification: Likely pathogenic for Retinitis pigmentosa. Last evaluated: 2024-10-01. Review status: criteria provided, single submitter. Criteria: ACMG Guidelines, 2015. Collection method: research. Allele origin: inherited. Affected: yes. Observed: 1 variant allele. Not counted in ClinVar's aggregate classification.
Comment: ACMG/AMP guidelines: PM2, PP4_PP, PP1, PM3_2

Fulgent Genetics
Classification: Pathogenic for Usher syndrome type 2A; Retinitis pigmentosa 39. Last evaluated: 2024-06-07. Review status: criteria provided, single submitter. Criteria: ACMG Guidelines, 2015. Collection method: clinical testing. Allele origin: germline. Not counted in ClinVar's aggregate classification.

Blueprint Genetics
Classification: Pathogenic for USH2A-related disorders. Last evaluated: 2024-04-12. Review status: criteria provided, single submitter. Criteria: ACMG Guidelines, 2015. Collection method: clinical testing. Allele origin: germline. Affected: yes. Observed: 5 variant alleles. Not counted in ClinVar's aggregate classification.

Baylor Genetics
Classification: Pathogenic for Retinitis pigmentosa 39. Last evaluated: 2024-03-22. Review status: criteria provided, single submitter. Criteria: ACMG Guidelines, 2015. Collection method: clinical testing. Allele origin: unknown. Not counted in ClinVar's aggregate classification.

CeGaT Center for Human Genetics Tuebingen
Classification: Pathogenic. Last evaluated: 2024-02-01. Review status: criteria provided, single submitter. Criteria: CeGaT Center For Human Genetics Tuebingen Variant Classification Criteria Version 2. Collection method: clinical testing. Allele origin: germline. Affected: yes. Observed: 4 variant alleles. Not counted in ClinVar's aggregate classification.
Comment: USH2A: PM3:Very Strong, PM2, PM5

Women's Health and Genetics/Laboratory Corporation of America, LabCorp
Classification: Pathogenic for Usher syndrome. Last evaluated: 2023-05-19. Review status: criteria provided, single submitter. Criteria: LabCorp Variant Classification Summary - May 2015. Collection method: clinical testing. Allele origin: germline. Not counted in ClinVar's aggregate classification.
Comment: Variant summary: USH2A c.12574C>T (p.Arg4192Cys) results in a non-conservative amino acid change located in the fibronectin type III domain (IPR003961) of the encoded protein sequence. Five of five in-silico tools predict a damaging effect of the variant on protein function. The variant allele was found at a frequency of 3.2e-05 in 249476 control chromosomes (gnomAD). c.12574C>T has been reported in the literature as a biallelic genotype in at least two individuals affected with Usher Syndrome and multiple individuals affected with retinitis pigmentosa, including at least one family where it segregated with disease (e.g.Corton_2013, Coppieters_2014, de Castro-Miro_2014, Bonnet_2016) . These data indicate that the variant is very likely to be associated with disease. To our knowledge, no experimental evidence demonstrating an impact on protein function has been reported. However, another variant affecting the same amino acid (p.R4192H) has also been classified as pathogenic by our laboratory, suggesting Arg4192 may be important for protein function. The following publications have been ascertained in the context of this evaluation (PMID: 27460420, 24625443, 23940504, 24516651). Thirteen submitters, including an expert panel (ClinGen Hearing Loss Variant Curation Expert Panel) have provided clinical-significance assessments for this variant to ClinVar after 2014 and classified the variant as pathogenic (n=5)/likely pathogenic (n=6) or VUS (n=2). Based on the evidence outlined above, the variant was classified as pathogenic.

SN ONGC Dept of Genetics and Molecular biology Vision Research Foundation
Classification: Likely pathogenic for Usher syndrome. Last evaluated: 2022-12-31. Review status: criteria provided, single submitter. Criteria: ACMG Guidelines, 2015. Collection method: research. Allele origin: unknown. Affected: yes. Observed: 1 variant allele, 1 compound heterozygote. Not counted in ClinVar's aggregate classification.

Ocular Genomics Institute, Massachusetts Eye and Ear
Classification: Likely pathogenic for Retinitis pigmentosa 39. Last evaluated: 2021-04-08. Review status: criteria provided, single submitter. Criteria: ACMG Guidelines, 2015. Collection method: research. Allele origin: germline. Affected: yes. Not counted in ClinVar's aggregate classification.
Comment: Through a review of available evidence we were able to apply the following criteria: PM2, PM3, PP1, PP4, BP2. Based on this evidence we have classified this variant as Likely Pathogenic.

Broad Center for Mendelian Genomics, Broad Institute of MIT and Harvard
Classification: Likely pathogenic for Retinitis pigmentosa. Last evaluated: 2021-04-01. Review status: criteria provided, single submitter. Criteria: ACMG Guidelines, 2015. Collection method: curation. Allele origin: germline. Inheritance: Autosomal recessive inheritance. Affected: yes. Not counted in ClinVar's aggregate classification.
Comment: Through a review of available evidence we were able to apply the following criteria: PM2, PM3, PP1, PP4, BP2. Based on this evidence we have classified this variant as Likely Pathogenic. If you have any questions about the classification please reach out to the Pierce Lab.

Institute of Human Genetics, Univ. Regensburg, Univ. Regensburg
Classification: Likely pathogenic for Retinal dystrophy. Last evaluated: 2021-01-01. Review status: criteria provided, single submitter. Criteria: ACMG Guidelines, 2015. Collection method: clinical testing. Allele origin: germline. Affected: yes. Not counted in ClinVar's aggregate classification.

Institute of Medical Genetics and Applied Genomics, University Hospital Tübingen
Classification: Pathogenic. Last evaluated: 2020-10-23. Review status: criteria provided, single submitter. Criteria: ACMG Guidelines, 2015. Collection method: clinical testing. Allele origin: germline. Inheritance: Unknown mechanism. Affected: yes. Not counted in ClinVar's aggregate classification.

Eurofins Ntd Llc (ga)
Classification: Uncertain significance. Last evaluated: 2015-07-10. Review status: criteria provided, single submitter. Criteria: EGL Classification Definitions 2015. Collection method: clinical testing. Allele origin: germline. Observed: 1 variant allele, 1 heterozygote. Not counted in ClinVar's aggregate classification.

Genomics England Pilot Project, Genomics England
Classification: Likely pathogenic for Retinitis pigmentosa 39. Review status: criteria provided, single submitter. Criteria: ACGS Guidelines, 2016. Collection method: clinical testing. Allele origin: germline. Affected: yes. Not counted in ClinVar's aggregate classification.

Department of Clinical Genetics, Copenhagen University Hospital, Rigshospitalet
Classification: Likely pathogenic for Retinitis pigmentosa. Last evaluated: 2018-04-01. Review status: no assertion criteria provided. Collection method: research. Allele origin: unknown. Affected: yes. Study: VeluxRD. Not counted in ClinVar's aggregate classification.

Counsyl
Classification: Likely pathogenic for Usher syndrome type 2A; Retinitis pigmentosa 39. Last evaluated: 2017-02-15. Review status: no assertion criteria provided. Collection method: clinical testing. Allele origin: unknown. Not counted in ClinVar's aggregate classification.

Joint Genome Diagnostic Labs from Nijmegen and Maastricht, Radboudumc and MUMC+
Classification: Likely pathogenic for Retinitis pigmentosa 39. Last evaluated: 2016-09-01. Review status: no assertion criteria provided. Collection method: clinical testing. Allele origin: unknown. Affected: yes. Observed: 1 variant allele. Not counted in ClinVar's aggregate classification.

NIHR Bioresource Rare Diseases, University of Cambridge
Classification: Likely pathogenic for Retinitis pigmentosa. Last evaluated: 2015-01-01. Review status: no assertion criteria provided. Collection method: research. Allele origin: unknown. Affected: yes. Observed: 2 variant alleles. Not counted in ClinVar's aggregate classification.

Clinical Genetics, Academic Medical Center
Classification: Likely pathogenic. Review status: no assertion criteria provided. Collection method: clinical testing. Allele origin: germline. Affected: yes. Study: VKGL Data-share Consensus. Not counted in ClinVar's aggregate classification.

Joint Genome Diagnostic Labs from Nijmegen and Maastricht, Radboudumc and MUMC+
Classification: Likely pathogenic. Review status: no assertion criteria provided. Collection method: clinical testing. Allele origin: germline. Affected: yes. Study: VKGL Data-share Consensus. Not counted in ClinVar's aggregate classification.

Literature cited by the submitters: PubMed 23940504 (cited by 8 submitters); PubMed 27157150 (cited by 5 submitters); PubMed 29912909 (cited by 5 submitters); PubMed 32176120 (cited by Labcorp Genetics (formerly Invitae), Labcorp and Institute of Human Genetics, Univ. Regensburg, Univ. Regensburg); PubMed 33576794 (cited by Labcorp Genetics (formerly Invitae), Labcorp and Institute of Human Genetics, Univ. Regensburg, Univ. Regensburg); PubMed 27460420 (cited by 5 submitters); PubMed 28894305 (cited by Natera, Inc.); PubMed 34948090 (cited by Natera, Inc. and Institute of Human Genetics, Univ. Regensburg, Univ. Regensburg); PubMed 20301515 (cited by Victorian Clinical Genetics Services, Murdoch Childrens Research Institute); PubMed 30190494 (cited by Victorian Clinical Genetics Services, Murdoch Childrens Research Institute); PubMed 36011334 (cited by Victorian Clinical Genetics Services, Murdoch Childrens Research Institute and Institute of Human Genetics, Univ. Regensburg, Univ. Regensburg); PubMed 24516651 (cited by 4 submitters); PubMed 24625443 (cited by 4 submitters); PubMed 34906470 (cited by Broad Center for Mendelian Genomics, Broad Institute of MIT and Harvard); PubMed 31964843 (cited by Institute of Human Genetics, Univ. Regensburg, Univ. Regensburg); PubMed 32581362 (cited by Institute of Human Genetics, Univ. Regensburg, Univ. Regensburg); PubMed 32531858 (cited by Institute of Human Genetics, Univ. Regensburg, Univ. Regensburg); PubMed 34426522 (cited by Institute of Human Genetics, Univ. Regensburg, Univ. Regensburg); PubMed 34758253 (cited by Institute of Human Genetics, Univ. Regensburg, Univ. Regensburg); PubMed 34781295 (cited by Institute of Human Genetics, Univ. Regensburg, Univ. Regensburg); PubMed 35266249 (cited by Institute of Human Genetics, Univ. Regensburg, Univ. Regensburg); PubMed 36460718 (cited by Institute of Human Genetics, Univ. Regensburg, Univ. Regensburg); PubMed 36819107 (cited by Institute of Human Genetics, Univ. Regensburg, Univ. Regensburg); PubMed 36785559 (cited by Institute of Human Genetics, Univ. Regensburg, Univ. Regensburg); PubMed 30718709 (cited by Department of Clinical Genetics, Copenhagen University Hospital, Rigshospitalet); PubMed 28041643 (cited by NIHR Bioresource Rare Diseases, University of Cambridge).